The following is an entry in ClinVar:

NM_144670.6(A2ML1):c.65A>T (p.Asn22Ile)

Genes: A2ML1 (alpha-2-macroglobulin like 1; plus strand), A2ML1-AS1 (A2ML1 antisense RNA 1; minus strand). Cytogenetic location: 12p13.31.
Variant type: single nucleotide variant.
Coding change: c.65A>T on transcript NM_144670.6 (MANE Select); coding-DNA position 65, A replaced by T.
Protein change: p.Asn22Ile; replaces asparagine 22 with isoleucine.
Molecular consequence: missense variant.
Genome position (GRCh38, 1-based): chr12:8,823,184, A>T. VCF-style: chr12-8823184-A-T. GRCh37 (hg19) VCF-style: chr12-8975780-A-T.
Other names: short protein forms N22I.
Identifiers: ClinVar variation 4742721 (VCV004742721.1).

ClinVar aggregate classification (germline): Uncertain significance (1 of 4 stars; one submission).

Submission:

Labcorp Genetics (formerly Invitae), Labcorp
Classification: Uncertain significance. Last evaluated: 2025-08-20. Review status: criteria provided, single submitter. Criteria: Invitae Variant Classification Sherloc (09022015). Collection method: clinical testing. Allele origin: germline.
Comment: This sequence change replaces asparagine, which is neutral and polar, with isoleucine, which is neutral and non-polar, at codon 22 of the A2ML1 protein (p.Asn22Ile). This variant is not present in population databases (gnomAD no frequency). This variant has not been reported in the literature in individuals affected with A2ML1-related conditions. An algorithm developed to predict the effect of missense changes on protein structure and function (PolyPhen-2) suggests that this variant is likely to be disruptive. In summary, the available evidence is currently insufficient to determine the role of this variant in disease. Therefore, it has been classified as a Variant of Uncertain Significance.